The following is an entry in ClinVar:

ClinVar aggregate classification (germline): Likely benign (0 of 4 stars; one submission).

Conditions:
HELQ-related disorder. Also called: HELQ-related condition.

Allele frequency attached by ClinVar (database versions not stated): ESP Exome Variant Server 0.00008; TOPMed 0.00013; gnomAD 0.00054; ExAC 0.00062.
gnomAD v4.1: 558 of 1,613,964 alleles (0.035%); highest among the groups gnomAD compares: South Asian, 0.046%; no homozygotes.

Submission:

PreventionGenetics, part of Exact Sciences
Classification: Likely benign for HELQ-related condition. Last evaluated: 2019-07-16. Review status: no assertion criteria provided. Collection method: clinical testing. Allele origin: germline.
Comment: This variant is classified as likely benign based on ACMG/AMP sequence variant interpretation guidelines (Richards et al. 2015 PMID: 25741868, with internal and published modifications).

NM_133636.5(HELQ):c.376C>T (p.Leu126=)

Gene: HELQ (helicase, POLQ like; minus strand). Cytogenetic location: 4q21.23.
Variant type: single nucleotide variant.
Coding change: c.376C>T on transcript NM_133636.5 (MANE Select); coding-DNA position 376, C replaced by T.
Protein change: p.Leu126=; no amino-acid change (leucine 126 retained).
Molecular consequence: synonymous variant. On other transcripts: 5 prime UTR variant (2), non-coding transcript variant (1).
Genome position (GRCh38, 1-based): chr4:83,453,867, G>A on the plus strand (C>T on the coding strand, the complement: HELQ is on the minus strand). VCF-style: chr4-83453867-G-A. GRCh37 (hg19) VCF-style: chr4-84375020-G-A.
Other names: c.376C>T, p.Leu126= (NM_001297755.2, NM_001297759.2); c.-1129C>T (NM_001297756.2); c.-1159C>T (NM_001297757.2); c.265C>T, p.Leu89= (NM_001297758.2).
Identifiers: ClinVar variation 3049373 (VCV003049373.2), dbSNP rs201666480, ClinGen allele CA2989992.